The following is an entry in ClinVar:

NM_052872.4(IL17F):c.488A>G (p.Gln163Arg)

Gene: IL17F (interleukin 17F; minus strand). Cytogenetic location: 6p12.2.
Variant type: single nucleotide variant.
Coding change: c.488A>G on transcript NM_052872.4 (MANE Select); coding-DNA position 488, A replaced by G.
Protein change: p.Gln163Arg; replaces glutamine 163 with arginine.
Molecular consequence: missense variant.
Genome position (GRCh38, 1-based): chr6:52,236,935, T>C on the plus strand (A>G on the coding strand, the complement: IL17F is on the minus strand). VCF-style: chr6-52236935-T-C. GRCh37 (hg19) VCF-style: chr6-52101733-T-C.
Other names: short protein forms Q163R.
Identifiers: ClinVar variation 1503585 (VCV001503585.9), dbSNP rs571639953, ClinGen allele CA3854337.

ClinVar aggregate classification (germline): Conflicting classifications of pathogenicity. Review status: criteria provided, conflicting classifications (1 of 4 stars). 2 submissions from 2 submitters: Uncertain significance (1); Likely benign (1). Last evaluated 2025-12-20.

Conditions:
Candidiasis, familial, 6 (CANDF6). Also called: Candidiasis, familial, 6, autosomal dominant. Identifiers: Orphanet 1334, MedGen C3151405, MONDO:0013503, OMIM 613956.

Allele frequency attached by ClinVar (database versions not stated): gnomAD 0.00002 and 0.00003; gnomAD exomes 0.00003; ExAC 0.00004; TOPMed 0.00005; 1000 Genomes Project 0.00020; 1000 Genomes Project 30x 0.00031.

Submissions (2):

Labcorp Genetics (formerly Invitae), Labcorp
Classification: Uncertain significance for Candidiasis, familial, 6. Last evaluated: 2025-12-20. Review status: criteria provided, single submitter. Criteria: Invitae Variant Classification Sherloc (09022015). Collection method: clinical testing. Allele origin: germline.
Comment: This sequence change replaces glutamine, which is neutral and polar, with arginine, which is basic and polar, at codon 163 of the IL17F protein (p.Gln163Arg). This variant is present in population databases (rs571639953, gnomAD 0.02%). This variant has not been reported in the literature in individuals affected with IL17F-related conditions. ClinVar contains an entry for this variant (Variation ID: 1503585). An algorithm developed to predict the effect of missense changes on protein structure and function (PolyPhen-2) suggests that this variant is likely to be tolerated. Algorithms developed to predict the effect of sequence changes on RNA splicing suggest that this variant may create or strengthen a splice site. In summary, the available evidence is currently insufficient to determine the role of this variant in disease. Therefore, it has been classified as a Variant of Uncertain Significance.

Blueprint Genetics
Classification: Likely benign. Last evaluated: 2024-07-16. Review status: criteria provided, single submitter. Criteria: ACMG Guidelines, 2015. Collection method: clinical testing. Allele origin: germline.